The following is an entry in ClinVar:

NM_000540.3(RYR1):c.5053T>G (p.Cys1685Gly)

Gene: RYR1 (ryanodine receptor 1; plus strand). Cytogenetic location: 19q13.2.
Variant type: single nucleotide variant.
Coding change: c.5053T>G on transcript NM_000540.3 (MANE Select); coding-DNA position 5053, T replaced by G.
Protein change: p.Cys1685Gly; replaces cysteine 1685 with glycine.
Molecular consequence: missense variant.
Genome position (GRCh38, 1-based): chr19:38,485,708, T>G. VCF-style: chr19-38485708-T-G. GRCh37 (hg19) VCF-style: chr19-38976348-T-G.
Other names: c.5053T>G, p.Cys1685Gly (NM_001042723.2); short protein forms C1685G.
Identifiers: ClinVar variation 3019533 (VCV003019533.3), dbSNP rs774194681, ClinGen allele CA066636.
Genomic context (GRCh38, chr19:38,485,708, plus strand): 5'-ACCCTGCGCCTCTACCGCGCTGTGTGCGCCCTGGGCAACAATCGCGTGGCGCACGCTCTG[T>G]GCAGCCACGTAGACCAAGCTCAGCTGCTGCACGCCCTGGAGGACGCGCACCTGCCAGGCC-3'
Protein context (NP_000531.2, residues 1675-1695): LGNNRVAHAL[Cys1685Gly]SHVDQAQLLH

ClinVar aggregate classification (germline): Likely pathogenic (1 of 4 stars; one submission).

Conditions:
RYR1-related disorder. Also called: RYR1-related condition; RYR1-related disorders. Identifiers: MedGen CN239331.

Allele frequency attached by ClinVar (database versions not stated): ExAC 0.00001.
gnomAD v4.1: 1 of 1,612,036 alleles (0.000062%); no homozygotes.

Submission:

Labcorp Genetics (formerly Invitae), Labcorp
Classification: Likely pathogenic for RYR1-related disorder. Last evaluated: 2024-02-25. Review status: criteria provided, single submitter. Criteria: Invitae Variant Classification Sherloc (09022015). Collection method: clinical testing. Allele origin: germline.
Comment: This sequence change replaces cysteine, which is neutral and slightly polar, with glycine, which is neutral and non-polar, at codon 1685 of the RYR1 protein (p.Cys1685Gly). This variant is present in population databases (rs774194681, gnomAD 0.005%). This variant has not been reported in the literature in individuals affected with RYR1-related conditions. Advanced modeling of protein sequence and biophysical properties (such as structural, functional, and spatial information, amino acid conservation, physicochemical variation, residue mobility, and thermodynamic stability) performed at Invitae indicates that this missense variant is expected to disrupt RYR1 protein function with a positive predictive value of 95%. This variant disrupts the p.Cys1685 amino acid residue in RYR1. Other variant(s) that disrupt this residue have been determined to be pathogenic (Invitae). This suggests that this residue is clinically significant, and that variants that disrupt this residue are likely to be disease-causing. In summary, the currently available evidence indicates that the variant is pathogenic, but additional data are needed to prove that conclusively. Therefore, this variant has been classified as Likely Pathogenic.